The following is an entry in ClinVar:

NM_000214.3(JAG1):c.2436T>A (p.Phe812Leu)

Gene: JAG1 (jagged canonical Notch ligand 1; minus strand). Cytogenetic location: 20p12.2.
Variant type: single nucleotide variant.
Coding change: c.2436T>A on transcript NM_000214.3 (MANE Select); coding-DNA position 2436, T replaced by A.
Protein change: p.Phe812Leu; replaces phenylalanine 812 with leucine.
Molecular consequence: missense variant.
Genome position (GRCh38, 1-based): chr20:10,643,800, A>T on the plus strand (T>A on the coding strand, the complement: JAG1 is on the minus strand). VCF-style: chr20-10643800-A-T. GRCh37 (hg19) VCF-style: chr20-10624448-A-T.
Other names: short protein forms F812L.
Identifiers: ClinVar variation 5022883 (VCV005022883.1).
Genomic context (GRCh38, chr20:10,643,800, plus strand): 5'-TAAAGCCATTGGGAAAACCAGACGGAGACAGTCCTTACTTATTCTGCAGTCGGGCCCAGC[A>T]AAACCCGGGGCACATTCGCACCGGTACCAGTTGTCTCCATCCACACAGGTGCCGCTGTTG-3'
Protein context (NP_000205.1, residues 802-822): NWYRCECAPG[Phe812Leu]AGPDCRININ

ClinVar aggregate classification (germline): Uncertain significance (1 of 4 stars; one submission).

Conditions:
Cardiovascular phenotype. Identifiers: MedGen CN230736.

gnomAD v4.1: 2 of 1,614,070 alleles (0.00012%); highest among the groups gnomAD compares: Admixed American, 0.0033%; no homozygotes.

Submission:

Ambry Genetics
Classification: Uncertain significance for Cardiovascular phenotype. Last evaluated: 2026-08-24. Review status: criteria provided, single submitter. Criteria: Ambry Variant Classification Scheme 2023. Collection method: clinical testing. Allele origin: germline.
Comment: The p.F812L variant (also known as c.2436T>A), located in coding exon 20 of the JAG1 gene, results from a T to A substitution at nucleotide position 2436. The phenylalanine at codon 812 is replaced by leucine, an amino acid with highly similar properties. This amino acid position is conserved. In addition, this alteration is predicted to be deleterious by in silico analysis. Based on the available evidence, the clinical significance of this variant remains unclear.